The following is an entry in ClinVar:

ClinVar aggregate classification (germline): Likely benign. Review status: reviewed by expert panel (3 of 4 stars). 4 submissions from 4 submitters: Likely benign (1). 3 of the submissions do not count toward it. Last evaluated 2023-12-06.

Conditions:
Inborn genetic diseases. Identifiers: MedGen C0950123, MeSH D030342.
Pitt-Hopkins syndrome (PTHS). Also called: ENCEPHALOPATHY, SEVERE EPILEPTIC, WITH AUTONOMIC DYSFUNCTION; MENTAL RETARDATION, SYNDROMAL, WITH INTERMITTENT HYPERVENTILATION. Identifiers: Orphanet 2896, MedGen C1970431, MONDO:0012589, OMIM 610954.

Submissions (4):

ClinGen Rett and Angelman-like Disorders Variant Curation Expert Panel
Classification: Likely benign for Pitt-Hopkins syndrome. Last evaluated: 2023-12-06. Review status: reviewed by expert panel. Criteria: ClinGen RettAS ACMG Specifications TCF4 V3.0.0. Collection method: curation. Allele origin: germline. Inheritance: Autosomal dominant inheritance.
Comment: The p.Thr138Ser variant in TCF4 is absent from gnomAD (PM2_Supporting). The p.Thr138Ser variant is observed in at least 3 unaffected individuals (internal database - GeneDx) (BS2). Computational analysis prediction tools suggest that the p.Thr138Ser variant does not have a deleterious impact; however this information does not predict clinical significance on its own (BP4). In the absence of other pathogenic evidence beyond PM2_Supporting, and because this variant has been observed in 3 unaffected individuals, the ClinGen Rett and Angelman-like Disorders Variant Curation Expert Panel has agreed to overrule the PM2_Supporting criterion. In summary, the p.Thr138Ser variant in TCF4 is classified as likely benign based on the ACMG/AMP criteria (BS2, BP4).

Labcorp Genetics (formerly Invitae), Labcorp
Classification: Uncertain significance for Pitt-Hopkins syndrome. Last evaluated: 2025-02-17. Review status: criteria provided, single submitter. Criteria: Invitae Variant Classification Sherloc (09022015). Collection method: clinical testing. Allele origin: germline. Not counted in ClinVar's aggregate classification.
Comment: This sequence change replaces threonine, which is neutral and polar, with serine, which is neutral and polar, at codon 138 of the TCF4 protein (p.Thr138Ser). This variant is not present in population databases (gnomAD no frequency). This variant has not been reported in the literature in individuals affected with TCF4-related conditions. ClinVar contains an entry for this variant (Variation ID: 207532). Invitae Evidence Modeling of protein sequence and biophysical properties (such as structural, functional, and spatial information, amino acid conservation, physicochemical variation, residue mobility, and thermodynamic stability) indicates that this missense variant is not expected to disrupt TCF4 protein function with a negative predictive value of 95%. In summary, the available evidence is currently insufficient to determine the role of this variant in disease. Therefore, it has been classified as a Variant of Uncertain Significance.

Ambry Genetics
Classification: Uncertain significance for Inborn genetic diseases. Last evaluated: 2017-03-31. Review status: criteria provided, single submitter. Criteria: Ambry Variant Classification Scheme 2023. Collection method: clinical testing. Allele origin: germline. Not counted in ClinVar's aggregate classification.
Comment: The p.T138S variant (also known as c.413C>G), located in coding exon 6 of the TCF4 gene, results from a C to G substitution at nucleotide position 413. The threonine at codon 138 is replaced by serine, an amino acid with similar properties. This amino acid position is well conserved in available vertebrate species. In addition, this alteration is predicted to be tolerated by in silico analysis. Since supporting evidence is limited at this time, the clinical significance of this alteration remains unclear.

GeneDx
Classification: Likely benign. Last evaluated: 2016-04-07. Review status: criteria provided, single submitter. Criteria: GeneDx Variant Classification (06012015). Collection method: clinical testing. Allele origin: germline. Affected: yes. Not counted in ClinVar's aggregate classification.
Comment: This variant is considered likely benign or benign based on one or more of the following criteria: it is a conservative change, it occurs at a poorly conserved position in the protein, it is predicted to be benign by multiple in silico algorithms, and/or has population frequency not consistent with disease.

NM_001083962.2(TCF4):c.413C>G (p.Thr138Ser)

Gene: TCF4 (transcription factor 4; minus strand). Cytogenetic location: 18q21.2.
Variant type: single nucleotide variant.
Coding change: c.413C>G on transcript NM_001083962.2 (MANE Select); coding-DNA position 413, C replaced by G.
Protein change: p.Thr138Ser; replaces threonine 138 with serine.
Molecular consequence: missense variant.
Genome position (GRCh38, 1-based): chr18:55,350,960, G>C on the plus strand (C>G on the coding strand, the complement: TCF4 is on the minus strand). VCF-style: chr18-55350960-G-C. GRCh37 (hg19) VCF-style: chr18-53018191-G-C.
Other names: p.T138S:ACC>AGC; NM_001083962.2(TCF4):c.413C>G; p.Thr138Ser; c.719C>G, p.Thr240Ser (NM_001243226.3); c.287C>G, p.Thr96Ser (NM_001348211.2, NM_001243231.2); c.23C>G, p.Thr8Ser (NM_001348212.2, NM_001348213.2, NM_001243233.2 and 1 more transcripts); c.341C>G, p.Thr114Ser (NM_001348217.1, NM_001348218.2, NM_001348219.2 and 9 more transcripts); c.338C>G, p.Thr113Ser (NM_001348220.1, NM_001369581.1, NM_001369584.1 and 3 more transcripts); and 4 more; short protein forms T138S, T114S, T96S, T240S, T67S, T113S, T136S, T8S.
Identifiers: ClinVar variation 207532 (VCV000207532.11), dbSNP rs796053416, ClinGen allele CA319100.
Genomic context (GRCh38, chr18:55,350,960, plus strand): 5'-CTTCGGGGATTATTGCTAGAATACTGATAGTACTGGGAACCAGGTTTGGTGGGCGAAAGG[G>C]TTCCTGGGTTGCCCATATCCATGTCACCTCCAAGGAGACTCTGCTAAAAGGTTAAAAAGG-3'
Protein context (NP_001077431.1, residues 128-148): GGDMDMGNPG[Thr138Ser]LSPTKPGSQY